The following is an entry in ClinVar:

NM_001365951.3(KIF1B):c.4151C>A (p.Thr1384Asn)

Gene: KIF1B (kinesin family member 1B; plus strand). Cytogenetic location: 1p36.22.
Variant type: single nucleotide variant.
Coding change: c.4151C>A on transcript NM_001365951.3 (MANE Select); coding-DNA position 4151, C replaced by A.
Protein change: p.Thr1384Asn; replaces threonine 1384 with asparagine.
Molecular consequence: missense variant.
Genome position (GRCh38, 1-based): chr1:10,361,024, C>A. VCF-style: chr1-10361024-C-A. GRCh37 (hg19) VCF-style: chr1-10421082-C-A.
Other names: c.4151C>A, p.Thr1384Asn (NM_001365952.1); c.4013C>A, p.Thr1338Asn (NM_015074.3); short protein forms T1384N, T1338N.
Identifiers: ClinVar variation 1737036 (VCV001737036.2), dbSNP rs1638407976, ClinGen allele CA338316633.
Genomic context (GRCh38, chr1:10,361,024, plus strand): 5'-CTCTGCATAACTCCCTTCTTCTGAACCGAGTGACACCCTATGGAGAAAAGATCTACATGA[C>A]CTTGTCGGCCTACCTAGAGGTGAGGAGACTTGGAACTTCAGTTGATGCCAACAGTCAGCC-3'
Protein context (NP_001352880.1, residues 1374-1394): VTPYGEKIYM[Thr1384Asn]LSAYLELDHC

ClinVar aggregate classification (germline): Uncertain significance (1 of 4 stars; one submission).

Submission:

Ambry Genetics
Classification: Uncertain significance. Last evaluated: 2021-03-12. Review status: criteria provided, single submitter. Criteria: Ambry Variant Classification Scheme 2023. Collection method: clinical testing. Allele origin: germline.
Comment: The p.T1338N variant (also known as c.4013C>A), located in coding exon 36 of the KIF1B gene, results from a C to A substitution at nucleotide position 4013. The threonine at codon 1338 is replaced by asparagine, an amino acid with similar properties. This amino acid position is highly conserved in available vertebrate species. In addition, the in silico prediction for this alteration is inconclusive. Since supporting evidence is limited at this time, the clinical significance of this alteration remains unclear.